The following is an entry in ClinVar:

ClinVar aggregate classification (germline): Uncertain significance (1 of 4 stars; one submission).

Conditions:
Hereditary cancer-predisposing syndrome. Also called: Neoplastic Syndromes, Hereditary; Tumor predisposition; Hereditary Cancer Syndrome; Hereditary neoplastic syndrome. Identifiers: Orphanet 140162, MedGen C0027672, MeSH D009386, MONDO:0015356.

Submission:

Ambry Genetics
Classification: Uncertain significance for Hereditary cancer-predisposing syndrome. Last evaluated: 2026-06-14. Review status: criteria provided, single submitter. Criteria: Ambry Variant Classification Scheme 2023. Collection method: clinical testing. Allele origin: germline.
Comment: The p.G624R variant (also known as c.1870G>A), located in coding exon 14 of the BAP1 gene, results from a G to A substitution at nucleotide position 1870. The glycine at codon 624 is replaced by arginine, an amino acid with dissimilar properties. This amino acid position is conserved. In addition, this alteration is predicted to be deleterious by in silico analysis. Based on the available evidence, the clinical significance of this variant remains unclear.

NM_004656.4(BAP1):c.1870G>A (p.Gly624Arg)

Gene: BAP1 (BRCA1 associated deubiquitinase 1; minus strand). Cytogenetic location: 3p21.1.
Variant type: single nucleotide variant.
Coding change: c.1870G>A on transcript NM_004656.4 (MANE Select); coding-DNA position 1870, G replaced by A.
Protein change: p.Gly624Arg; replaces glycine 624 with arginine.
Molecular consequence: missense variant.
Genome position (GRCh38, 1-based): chr3:52,403,158, C>T on the plus strand (G>A on the coding strand, the complement: BAP1 is on the minus strand). VCF-style: chr3-52403158-C-T. GRCh37 (hg19) VCF-style: chr3-52437174-C-T.
Other names: c.1816G>A, p.Gly606Arg (NM_001410772.1); short protein forms G606R, G624R.
Identifiers: ClinVar variation 4867376 (VCV004867376.1).
Genomic context (GRCh38, chr3:52,403,158, plus strand): 5'-TCTGCCAGGATTAAAGGAGAAAACCACAACGGAGGCTCACCTTGGGTGAGTATTTCTCCC[C>T]ACTCAAGGGCTCGCCAGGCCTCACCATCCCCGTCTTCTCTCTGCTGTCCGTGGCTTCCAC-3'
Protein context (NP_004647.1, residues 614-634): GMVRPGEPLS[Gly624Arg]EKYSPKELLA